The following is an entry in ClinVar:

ClinVar aggregate classification (germline): Uncertain significance (1 of 4 stars; one submission).

Submission:

GeneDx
Classification: Uncertain significance. Last evaluated: 2016-09-27. Review status: criteria provided, single submitter. Criteria: GeneDx Variant Classification (06012015). Collection method: clinical testing. Allele origin: germline. Affected: yes.
Comment: The P191L variant has not been published as a pathogenic variant, nor has it been reported as a benign variant to our knowledge. The P191L variant was not observed in approximately 6,500 individuals of European and African American ancestry in the NHLBI Exome Sequencing Project, indicating it is not a common benign variant in these populations. The P191L variant is a semi-conservative amino acid substitution, which may impact secondary protein structure as these residues differ in some properties. This substitution occurs at a position that is conserved across species. In silico analysis predicts this variant is probably damaging to the protein structure/function. Therefore, based on the currently available information, it is unclear whether this variant is a pathogenic variant or a rare benign variant.

NM_006939.4(SOS2):c.572C>T (p.Pro191Leu)

Gene: SOS2 (SOS Ras/Rho guanine nucleotide exchange factor 2; minus strand). Cytogenetic location: 14q21.3.
Variant type: single nucleotide variant.
Coding change: c.572C>T on transcript NM_006939.4 (MANE Select); coding-DNA position 572, C replaced by T.
Protein change: p.Pro191Leu; replaces proline 191 with leucine.
Molecular consequence: missense variant.
Genome position (GRCh38, 1-based): chr14:50,188,639, G>A on the plus strand (C>T on the coding strand, the complement: SOS2 is on the minus strand). VCF-style: chr14-50188639-G-A. GRCh37 (hg19) VCF-style: chr14-50655357-G-A.
Other names: short protein forms P191L.
Identifiers: ClinVar variation 280897 (VCV000280897.2), dbSNP rs72681869, ClinGen allele CA7177498.